The following is an entry in ClinVar:

ClinVar aggregate classification (germline): Uncertain significance (1 of 4 stars; one submission).

Conditions:
Muscular dystrophy-dystroglycanopathy (congenital with brain and eye anomalies), type a, 8 (MDDGA8). Also called: WALKER-WARBURG SYNDROME OR MUSCLE-EYE-BRAIN DISEASE, GTDC2-RELATED. Identifiers: Orphanet 899, MedGen C3553813, MONDO:0013904, OMIM 614830.

Allele frequency attached by ClinVar (database versions not stated): TOPMed below 0.00001; ExAC 0.00001; gnomAD exomes 0.00001.

Submission:

Labcorp Genetics (formerly Invitae), Labcorp
Classification: Uncertain significance for Muscular dystrophy-dystroglycanopathy (congenital with brain and eye anomalies), type a, 8. Last evaluated: 2021-03-16. Review status: criteria provided, single submitter. Criteria: Invitae Variant Classification Sherloc (09022015). Collection method: clinical testing. Allele origin: germline.
Comment: In summary, the available evidence is currently insufficient to determine the role of this variant in disease. Therefore, it has been classified as a Variant of Uncertain Significance. Algorithms developed to predict the effect of missense changes on protein structure and function (SIFT, PolyPhen-2, Align-GVGD) all suggest that this variant is likely to be disruptive, but these predictions have not been confirmed by published functional studies and their clinical significance is uncertain. This variant has not been reported in the literature in individuals with POMGNT2-related conditions. This variant is present in population databases (rs780492743, ExAC 0.002%). This sequence change replaces arginine with cysteine at codon 501 of the POMGNT2 protein (p.Arg501Cys). The arginine residue is highly conserved and there is a large physicochemical difference between arginine and cysteine.

NM_032806.6(POMGNT2):c.1501C>T (p.Arg501Cys)

Gene: POMGNT2 (protein O-linked mannose N-acetylglucosaminyltransferase 2 (beta 1,4-); minus strand). Cytogenetic location: 3p22.1.
Variant type: single nucleotide variant.
Coding change: c.1501C>T on transcript NM_032806.6 (MANE Select); coding-DNA position 1501, C replaced by T.
Protein change: p.Arg501Cys; replaces arginine 501 with cysteine.
Molecular consequence: missense variant.
Genome position (GRCh38, 1-based): chr3:43,079,931, G>A on the plus strand (C>T on the coding strand, the complement: POMGNT2 is on the minus strand). VCF-style: chr3-43079931-G-A. GRCh37 (hg19) VCF-style: chr3-43121423-G-A.
Other names: short protein forms R501C.
Identifiers: ClinVar variation 1439584 (VCV001439584.7), dbSNP rs780492743, ClinGen allele CA2339834.
Genomic context (GRCh38, chr3:43,079,931, plus strand): 5'-TCACCTCCCTCACCTTCAGGTATTTAAGGTTCCATGGGATCTGCCAGGAGACAGTGAGGC[G>A]GGCCTCGGAGGCGCCATGCACTGACGCCTGGCACCGTGCCTCCCGCACCTTGCCTGGATA-3'
Protein context (NP_116195.2, residues 491-511): QASVHGASEA[Arg501Cys]LTVSWQIPWN